The following is an entry in ClinVar:

ClinVar aggregate classification (germline): Pathogenic/Likely pathogenic. Review status: criteria provided, multiple submitters, no conflicts (2 of 4 stars). 4 submissions from 4 submitters: Pathogenic (3); Likely pathogenic (1). Last evaluated 2025-11-28.

Conditions:
Hereditary cancer-predisposing syndrome. Also called: Hereditary Cancer Syndrome; Hereditary neoplastic syndrome; Neoplastic Syndromes, Hereditary; Tumor predisposition. Identifiers: Orphanet 140162, MedGen C0027672, MeSH D009386, MONDO:0015356.
Fanconi anemia (FA). Also called: Fanconi's anemia. Identifiers: Orphanet 84, MedGen C0015625, MeSH D005199, MONDO:0019391.
Fanconi anemia complementation group C (FANCC). Also called: Fanconi anemia, group C; FANCONI PANCYTOPENIA, TYPE 3; FACC; FANCC-Related Fanconi Anemia. Identifiers: Orphanet 84, MedGen C3468041, MONDO:0009213, OMIM 227645.

Submissions (4):

Myriad Genetics, Inc.
Classification: Pathogenic for Fanconi anemia complementation group C. Last evaluated: 2025-11-28. Review status: criteria provided, single submitter. Criteria: Myriad Autosomal Dominant, Autosomal Recessive and X-Linked Classification Criteria (2023). Collection method: clinical testing. Allele origin: unknown.
Comment: NM_000136.2(FANCC):c.381delT(F127Lfs*17) is expected to be pathogenic in the context of Fanconi anemia, FANCC-related. This variant is predicted to lead to an abnormal or absent protein product due to the creation of a premature termination codon in FANCC, a gene where loss-of-function variants are known to be pathogenic. Please note: this variant was assessed in the context of healthy population screening.

Fulgent Genetics
Classification: Likely pathogenic for Fanconi anemia complementation group C. Last evaluated: 2024-01-23. Review status: criteria provided, single submitter. Criteria: ACMG Guidelines, 2015. Collection method: clinical testing. Allele origin: germline.

Labcorp Genetics (formerly Invitae), Labcorp
Classification: Pathogenic for Fanconi anemia. Last evaluated: 2021-04-10. Review status: criteria provided, single submitter. Criteria: Invitae Variant Classification Sherloc (09022015). Collection method: clinical testing. Allele origin: germline.
Comment: For these reasons, this variant has been classified as Pathogenic. This variant has not been reported in the literature in individuals with FANCC-related conditions. This variant is not present in population databases (ExAC no frequency). This sequence change creates a premature translational stop signal (p.Phe127Leufs*17) in the FANCC gene. It is expected to result in an absent or disrupted protein product. Loss-of-function variants in FANCC are known to be pathogenic (PMID: 17924555).

Ambry Genetics
Classification: Pathogenic for Hereditary cancer-predisposing syndrome. Last evaluated: 2019-08-12. Review status: criteria provided, single submitter. Criteria: Ambry Variant Classification Scheme 2023. Collection method: clinical testing. Allele origin: germline.
Comment: The c.381delT pathogenic mutation, located in coding exon 4 of the FANCC gene, results from a deletion of one nucleotide at nucleotide position 381, causing a translational frameshift with a predicted alternate stop codon (p.F127Lfs*17). This alteration is expected to result in loss of function by premature protein truncation or nonsense-mediated mRNA decay. As such, this alteration is interpreted as a disease-causing mutation.

Literature cited by the submitters: PubMed 17924555 (cited by Labcorp Genetics (formerly Invitae), Labcorp).

NM_000136.3(FANCC):c.381del (p.Phe127fs)

Gene: FANCC (FA complementation group C; minus strand). Cytogenetic location: 9q22.32.
Variant type: Deletion.
Coding change: c.381del on transcript NM_000136.3 (MANE Select); coding-DNA position 381, one base deleted (T; older notation c.381delT).
Protein change: p.Phe127fs; shifts the reading frame from phenylalanine 127.
Molecular consequence: frameshift variant.
Genome position (GRCh38, 1-based): chr9:95,172,112, A deleted on the plus strand (T on the coding strand, the reverse complement: FANCC is on the minus strand); the first of 3 consecutive A bases (chr9:95,172,112-95,172,114); deleting any one gives the same sequence. VCF-style (leftmost placement, unchanged base first): chr9-95172111-CA-C. GRCh37 (hg19) VCF-style: chr9-97934393-CA-C.
Other names: c.381del, p.Phe127fs (NM_001243743.2, NM_001243744.2); short protein forms F127fs.
Identifiers: ClinVar variation 1415550 (VCV001415550.10), dbSNP rs2135588524, ClinGen allele CA2573144816.